The following is an entry in ClinVar:

NM_001006658.3(CR2):c.3182G>A (p.Arg1061Lys)

Gene: CR2 (complement C3d receptor 2; plus strand). Cytogenetic location: 1q32.2.
Variant type: single nucleotide variant.
Coding change: c.3182G>A on transcript NM_001006658.3 (MANE Select); coding-DNA position 3182, G replaced by A.
Protein change: p.Arg1061Lys; replaces arginine 1061 with lysine.
Molecular consequence: missense variant.
Genome position (GRCh38, 1-based): chr1:207,480,047, G>A. VCF-style: chr1-207480047-G-A. GRCh37 (hg19) VCF-style: chr1-207653392-G-A.
Other names: c.3005G>A, p.Arg1002Lys (NM_001877.5); short protein forms R1002K, R1061K.
Identifiers: ClinVar variation 4732478 (VCV004732478.1).

ClinVar aggregate classification (germline): Uncertain significance (1 of 4 stars; one submission).

Conditions:
Immunodeficiency, common variable, 7. Identifiers: Orphanet 1572, Orphanet 696894, MedGen C3542922, MONDO:0013862, OMIM 614699.

Submission:

Labcorp Genetics (formerly Invitae), Labcorp
Classification: Uncertain significance for Immunodeficiency, common variable, 7. Last evaluated: 2025-12-08. Review status: criteria provided, single submitter. Criteria: Invitae Variant Classification Sherloc (09022015). Collection method: clinical testing. Allele origin: germline.
Comment: This sequence change replaces arginine, which is basic and polar, with lysine, which is basic and polar, at codon 1061 of the CR2 protein (p.Arg1061Lys). This variant is not present in population databases (gnomAD no frequency). This variant has not been reported in the literature in individuals affected with CR2-related conditions. An algorithm developed to predict the effect of missense changes on protein structure and function outputs the following: PolyPhen-2: "Benign". The lysine amino acid residue is found in multiple mammalian species, which suggests that this missense change does not adversely affect protein function. In summary, the available evidence is currently insufficient to determine the role of this variant in disease. Therefore, it has been classified as a Variant of Uncertain Significance.